The following is an entry in ClinVar:

NC_000003.11:g.(?_193372631)_(193385089_?)del

Gene: OPA1 (OPA1 mitochondrial dynamin like GTPase; plus strand). Cytogenetic location: 3q29.
Variant type: Deletion.
Identifiers: ClinVar variation 3247020 (VCV003247020.1).

ClinVar aggregate classification (germline): Pathogenic (1 of 4 stars; one submission).

Submission:

Labcorp Genetics (formerly Invitae), Labcorp
Classification: Pathogenic. Last evaluated: 2022-12-07. Review status: criteria provided, single submitter. Criteria: Invitae Variant Classification Sherloc (09022015). Collection method: clinical testing. Allele origin: unknown.
Comment: For these reasons, this variant has been classified as Pathogenic. This variant has not been reported in the literature in individuals affected with OPA1-related conditions. This variant is a gross deletion of the genomic region encompassing exon(s) 20-27 of the OPA1 gene. This deletion is out-of-frame, and is expected to create a premature termination codon and result in an absent or disrupted protein product. Loss-of-function variants in OPA1 are known to be pathogenic (PMID: 11440988, 20157015, 20952381, 25012220).

Literature cited by the submitters: PubMed 11440988; PubMed 20157015; PubMed 20952381; PubMed 25012220.